The following is an entry in ClinVar:

ClinVar aggregate classification (germline): Pathogenic (1 of 4 stars; one submission).

Conditions:
Alpha-N-acetylgalactosaminidase deficiency type 1. Also called: SCHINDLER DISEASE, TYPE I; ALPHA-N-ACETYLGALACTOSAMINIDASE DEFICIENCY, TYPE I; NAGA DEFICIENCY, TYPE I; NEUROAXONAL DYSTROPHY, SCHINDLER TYPE. Identifiers: Orphanet 3137, Orphanet 79279, Orphanet 79281, MedGen C1836544, MONDO:0012221, OMIM 609241.

Allele frequency attached by ClinVar (database versions not stated): gnomAD exomes below 0.00001.
gnomAD v4.1: 1 of 1,614,246 alleles (0.000062%); highest among the groups gnomAD compares: Non-Finnish European, 0.000085%; no homozygotes.

Submission:

Labcorp Genetics (formerly Invitae), Labcorp
Classification: Pathogenic for Alpha-N-acetylgalactosaminidase deficiency type 1. Last evaluated: 2023-11-21. Review status: criteria provided, single submitter. Criteria: Invitae Variant Classification Sherloc (09022015). Collection method: clinical testing. Allele origin: germline.
Comment: This sequence change creates a premature translational stop signal (p.Cys343*) in the NAGA gene. It is expected to result in an absent or disrupted protein product. Loss-of-function variants in NAGA are known to be pathogenic (PMID: 8782044, 11251574). This variant is not present in population databases (gnomAD no frequency). This variant has not been reported in the literature in individuals affected with NAGA-related conditions. For these reasons, this variant has been classified as Pathogenic.

Literature cited by the submitters: PubMed 8782044; PubMed 11251574.

NM_000262.3(NAGA):c.1029C>A (p.Cys343Ter)

Gene: NAGA (alpha-N-acetylgalactosaminidase; minus strand). Cytogenetic location: 22q13.2.
Variant type: single nucleotide variant.
Coding change: c.1029C>A on transcript NM_000262.3 (MANE Select); coding-DNA position 1029, C replaced by A.
Protein change: p.Cys343Ter; replaces cysteine 343 with a stop codon.
Molecular consequence: nonsense.
Genome position (GRCh38, 1-based): chr22:42,060,996, G>T on the plus strand (C>A on the coding strand, the complement: NAGA is on the minus strand). VCF-style: chr22-42060996-G-T. GRCh37 (hg19) VCF-style: chr22-42457000-G-T.
Other names: c.1029C>A, p.Cys343Ter (NM_001362848.1, NM_001362850.1); short protein forms C343*.
Identifiers: ClinVar variation 2697961 (VCV002697961.3), dbSNP rs2519053484, ClinGen allele CA411766262.